The following is an entry in ClinVar:

ClinVar aggregate classification (germline): Likely pathogenic (1 of 4 stars; one submission).

Conditions:
Intellectual developmental disorder with behavioral abnormalities and craniofacial dysmorphism with or without seizures. Identifiers: MedGen C5231476, MONDO:0032883, OMIM 618725.

Submission:

3billion
Classification: Likely pathogenic for Intellectual developmental disorder with behavioral abnormalities and craniofacial dysmorphism with or without seizures. Last evaluated: 2022-03-22. Review status: criteria provided, single submitter. Criteria: ACMG Guidelines, 2015. Collection method: clinical testing. Allele origin: germline. Affected: yes. Observed: 1 heterozygote.
Comment: Canonical splice site: predicted to alter splicing and result in a loss or disruption of normal protein function through nonsense-mediated decay (NMD) or protein truncation. Multiple pathogenic variants are reported downstream of the variant.It is not observed in the gnomAD v2.1.1 dataset. Therefore, this variant is classified as likely pathogenic according to the recommendation of ACMG/AMP guideline.

NM_001352027.3(PHF21A):c.613-2A>G

Gene: PHF21A (PHD finger protein 21A; minus strand). Cytogenetic location: 11p11.2.
Variant type: single nucleotide variant.
Coding change: c.613-2A>G on transcript NM_001352027.3 (MANE Select); the canonical splice acceptor site of the intron before coding-DNA position 613, A replaced by G.
Molecular consequence: splice acceptor variant. On other transcripts: intron variant (3).
Genome position (GRCh38, 1-based): chr11:45,969,906, T>C on the plus strand (A>G on the coding strand, the complement: PHF21A is on the minus strand). VCF-style: chr11-45969906-T-C. GRCh37 (hg19) VCF-style: chr11-45991457-T-C.
Other names: c.610-2A>G (NM_001352030.3); c.613-5A>G (NM_001101802.3, NM_001352031.3, NM_001352032.3); c.613-2A>G (NM_001352026.3, NM_016621.5, NM_001352025.3 and 2 more transcripts).
Identifiers: ClinVar variation 1526190 (VCV001526190.1), dbSNP rs2136047144, ClinGen allele CA380208815.
Genomic context (GRCh38, chr11:45,969,906, plus strand): 5'-CTAGGAGGGGGGATAAACTGTGGTACTTTGATGGGCTGAGGAGGTGTTGCCTGAACCTGC[T>C]AAAAAATGAGGAAGATAAATAAACCAGAGAGAACAATTACTCTTCAATATCAAAGCTAGT-3'